The following is an entry in ClinVar:

ClinVar aggregate classification (germline): Uncertain significance (1 of 4 stars; one submission).

Submission:

Labcorp Genetics (formerly Invitae), Labcorp
Classification: Uncertain significance. Last evaluated: 2019-09-25. Review status: criteria provided, single submitter. Criteria: Invitae Variant Classification Sherloc (09022015). Collection method: clinical testing. Allele origin: germline.
Comment: In summary, the available evidence is currently insufficient to determine the role of this variant in disease. Therefore, it has been classified as a Variant of Uncertain Significance. Algorithms developed to predict the effect of missense changes on protein structure and function are either unavailable or do not agree on the potential impact of this missense change (SIFT: "Deleterious"; PolyPhen-2: "Probably Damaging"; Align-GVGD: "Class C0"). This variant has not been reported in the literature in individuals with NEU1-related conditions. This variant is not present in population databases (ExAC no frequency). This sequence change replaces alanine with serine at codon 110 of the NEU1 protein (p.Ala110Ser). The alanine residue is highly conserved and there is a moderate physicochemical difference between alanine and serine.

NM_000434.4(NEU1):c.328_330delinsTCT (p.Ala110Ser)

Gene: NEU1 (neuraminidase 1; minus strand). Cytogenetic location: 6p21.33.
Variant type: Indel.
Coding change: c.328_330delinsTCT on transcript NM_000434.4 (MANE Select); coding-DNA positions 328 to 330, GCC replaced by TCT.
Protein change: p.Ala110Ser; replaces alanine 110 with serine.
Molecular consequence: missense variant.
Genome position (GRCh38, 1-based): chr6:31,862,021-31,862,023, GGC replaced by AGA on the plus strand (GCC replaced by TCT on the coding strand, the reverse complement: NEU1 is on the minus strand). VCF-style: chr6-31862021-GGC-AGA. GRCh37 (hg19) VCF-style: chr6-31829798-GGC-AGA.
Other names: short protein forms A110S.
Identifiers: ClinVar variation 970931 (VCV000970931.6), dbSNP rs1762537642, ClinGen allele CA1139659470.